The following is an entry in ClinVar:

NM_017671.5(FERMT1):c.1819A>G (p.Thr607Ala)

Gene: FERMT1 (FERM domain containing kindlin 1; minus strand). Cytogenetic location: 20p12.3.
Variant type: single nucleotide variant.
Coding change: c.1819A>G on transcript NM_017671.5 (MANE Select); coding-DNA position 1819, A replaced by G.
Protein change: p.Thr607Ala; replaces threonine 607 with alanine.
Molecular consequence: missense variant.
Genome position (GRCh38, 1-based): chr20:6,079,477, T>C on the plus strand (A>G on the coding strand, the complement: FERMT1 is on the minus strand). VCF-style: chr20-6079477-T-C. GRCh37 (hg19) VCF-style: chr20-6060124-T-C.
Other names: c.1819A>G (NM_017671.4); short protein forms T607A.
Identifiers: ClinVar variation 1928921 (VCV001928921.3), dbSNP rs747159883, ClinGen allele CA9758026.
Genomic context (GRCh38, chr20:6,079,477, plus strand): 5'-GCAAAAACTTTCACTTTACCTGCCGGGTTTCCCAGTTTACATTCCACTGTTTGATATTTG[T>C]GAATCTCCATGTTGTCACTGGAATCCCGGTGGCTGCATCAATTTTAATCAACCTGTTATA-3'
Protein context (NP_060141.3, residues 597-617): TGIPVTTWRF[Thr607Ala]NIKQWNVNWE

ClinVar aggregate classification (germline): Uncertain significance. Review status: criteria provided, multiple submitters, no conflicts (2 of 4 stars). 2 submissions from 2 submitters: Uncertain significance (2). Last evaluated 2025-03-28.

Conditions:
Inborn genetic diseases. Identifiers: MedGen C0950123, MeSH D030342.

Allele frequency attached by ClinVar (database versions not stated): gnomAD exomes 0.00003; gnomAD 0.00001; TOPMed 0.00001; ExAC 0.00001.
gnomAD v4.1: 39 of 1,614,046 alleles (0.0024%); highest among the groups gnomAD compares: Non-Finnish European, 0.0033%; no homozygotes.

Submissions (2):

Ambry Genetics
Classification: Uncertain significance for Inborn genetic diseases. Last evaluated: 2025-03-28. Review status: criteria provided, single submitter. Criteria: Ambry Variant Classification Scheme 2023. Collection method: clinical testing. Allele origin: germline.

Labcorp Genetics (formerly Invitae), Labcorp
Classification: Uncertain significance. Last evaluated: 2022-06-23. Review status: criteria provided, single submitter. Criteria: Invitae Variant Classification Sherloc (09022015). Collection method: clinical testing. Allele origin: germline.
Comment: This sequence change replaces threonine, which is neutral and polar, with alanine, which is neutral and non-polar, at codon 607 of the FERMT1 protein (p.Thr607Ala). This variant is present in population databases (rs747159883, gnomAD 0.003%). This variant has not been reported in the literature in individuals affected with FERMT1-related conditions. Algorithms developed to predict the effect of missense changes on protein structure and function output the following: SIFT: "Tolerated"; PolyPhen-2: "Benign"; Align-GVGD: "Class C0". The alanine amino acid residue is found in multiple mammalian species, which suggests that this missense change does not adversely affect protein function. In summary, the available evidence is currently insufficient to determine the role of this variant in disease. Therefore, it has been classified as a Variant of Uncertain Significance.